The following is an entry in ClinVar:

ClinVar aggregate classification (germline): Uncertain significance. Review status: criteria provided, multiple submitters, no conflicts (2 of 4 stars). 2 submissions from 2 submitters: Uncertain significance (2). Last evaluated 2024-11-13.

Conditions:
Inborn genetic diseases. Identifiers: MedGen C0950123, MeSH D030342.

Allele frequency attached by ClinVar (database versions not stated): gnomAD exomes below 0.00001 and 0.00002; TOPMed below 0.00001; ExAC 0.00001; gnomAD 0.00001; 1000 Genomes Project 30x 0.00016; 1000 Genomes Project 0.00020.

Submissions (2):

Ambry Genetics
Classification: Uncertain significance for Inborn genetic diseases. Last evaluated: 2024-11-13. Review status: criteria provided, single submitter. Criteria: Ambry Variant Classification Scheme 2023. Collection method: clinical testing. Allele origin: germline.

Labcorp Genetics (formerly Invitae), Labcorp
Classification: Uncertain significance. Last evaluated: 2023-11-27. Review status: criteria provided, single submitter. Criteria: Invitae Variant Classification Sherloc (09022015). Collection method: clinical testing. Allele origin: germline.
Comment: This sequence change replaces serine, which is neutral and polar, with asparagine, which is neutral and polar, at codon 141 of the OSTM1 protein (p.Ser141Asn). This variant is present in population databases (rs200912091, gnomAD 0.03%). This variant has not been reported in the literature in individuals affected with OSTM1-related conditions. ClinVar contains an entry for this variant (Variation ID: 1406221). Advanced modeling of protein sequence and biophysical properties (such as structural, functional, and spatial information, amino acid conservation, physicochemical variation, residue mobility, and thermodynamic stability) performed at Invitae indicates that this missense variant is not expected to disrupt OSTM1 protein function with a negative predictive value of 80%. In summary, the available evidence is currently insufficient to determine the role of this variant in disease. Therefore, it has been classified as a Variant of Uncertain Significance.

NM_014028.4(OSTM1):c.422G>A (p.Ser141Asn)

Gene: OSTM1 (osteoclastogenesis associated transmembrane protein 1; minus strand). Cytogenetic location: 6q21.
Variant type: single nucleotide variant.
Coding change: c.422G>A on transcript NM_014028.4 (MANE Select); coding-DNA position 422, G replaced by A.
Protein change: p.Ser141Asn; replaces serine 141 with asparagine.
Molecular consequence: missense variant.
Genome position (GRCh38, 1-based): chr6:108,064,280, C>T on the plus strand (G>A on the coding strand, the complement: OSTM1 is on the minus strand). VCF-style: chr6-108064280-C-T. GRCh37 (hg19) VCF-style: chr6-108385484-C-T.
Other names: c.422G>A (NM_014028.3); short protein forms S141N.
Identifiers: ClinVar variation 1406221 (VCV001406221.5), dbSNP rs200912091, ClinGen allele CA3948057.